The following is an entry in ClinVar:

ClinVar aggregate classification (germline): Likely pathogenic (1 of 4 stars; one submission).

gnomAD v4.1: 1 of 1,613,186 alleles (0.000062%); highest among the groups gnomAD compares: Admixed American, 0.0017%; no homozygotes.

Submission:

Labcorp Genetics (formerly Invitae), Labcorp
Classification: Likely pathogenic. Last evaluated: 2025-09-09. Review status: criteria provided, single submitter. Criteria: Invitae Variant Classification Sherloc (09022015). Collection method: clinical testing. Allele origin: germline.
Comment: This sequence change affects a donor splice site in intron 20 of the IARS gene. It is expected to disrupt RNA splicing. Variants that disrupt the donor or acceptor splice site typically lead to a loss of protein function (PMID: 16199547), and loss-of-function variants in IARS are known to be pathogenic (PMID: 27426735, 27891590). This variant is not present in population databases (gnomAD no frequency). This variant has not been reported in the literature in individuals affected with IARS-related conditions. Algorithms developed to predict the effect of sequence changes on RNA splicing suggest that this variant may disrupt the consensus splice site. In summary, the currently available evidence indicates that the variant is pathogenic, but additional data are needed to prove that conclusively. Therefore, this variant has been classified as Likely Pathogenic.

Literature cited by the submitters: PubMed 16199547; PubMed 27426735; PubMed 27891590.

NM_002161.6(IARS1):c.2137+1G>C

Gene: IARS1 (isoleucyl-tRNA synthetase 1; minus strand). Cytogenetic location: 9q22.31.
Variant type: single nucleotide variant.
Coding change: c.2137+1G>C on transcript NM_002161.6 (MANE Select); the canonical splice donor site of the intron after coding-DNA position 2137, G replaced by C.
Molecular consequence: splice donor variant. On other transcripts: intron variant (1).
Genome position (GRCh38, 1-based): chr9:92,256,679, C>G on the plus strand (G>C on the coding strand, the complement: IARS1 is on the minus strand). VCF-style: chr9-92256679-C-G. GRCh37 (hg19) VCF-style: chr9-95018961-C-G.
Other names: c.2137+1G>C (NM_001378573.1, NM_001378584.1, NM_001374299.1 and 12 more transcripts); c.2014+1G>C (NM_001378583.1); c.2053+1G>C (NM_001374301.1); c.2133+5G>C (NM_001378582.1); c.2158+1G>C (NM_001378571.1); c.2200+1G>C (NM_001378569.1).
Identifiers: ClinVar variation 4690939 (VCV004690939.1).
Genomic context (GRCh38, chr9:92,256,679, plus strand): 5'-AAAGGGCAGTTACAAAGAGAATAGTCCTTATTCCTGGGAGGACAGACCAAGAGAGACTCA[C>G]CTGCCATTTCAGTCTCAAAGAAGCCAATGAGAGACTGCATGAAGGACAGGATCCACCGGT-3'